The following is an entry in ClinVar:

ClinVar aggregate classification (germline): Likely pathogenic (1 of 4 stars; one submission).

Submission:

Mayo Clinic Laboratories, Mayo Clinic
Classification: Likely pathogenic. Last evaluated: 2021-04-19. Review status: criteria provided, single submitter. Criteria: ACMG Guidelines, 2015. Collection method: clinical testing. Allele origin: germline.
Comment: PVS1, PM2

Literature cited by the submitters: PubMed 31333484; PubMed 31038472.

NM_003126.4(SPTA1):c.2965_2966del (p.Gln989fs)

Gene: SPTA1 (spectrin alpha, erythrocytic 1; minus strand). Cytogenetic location: 1q23.1.
Variant type: Deletion.
Coding change: c.2965_2966del on transcript NM_003126.4 (MANE Select); coding-DNA positions 2965 to 2966, 2 bases deleted (CA; older notation c.2965_2966delCA).
Protein change: p.Gln989fs; shifts the reading frame from glutamine 989.
Molecular consequence: frameshift variant.
Genome position (GRCh38, 1-based): chr1:158,654,681-158,654,682, TG deleted on the plus strand (CA on the coding strand, the reverse complement: SPTA1 is on the minus strand). VCF-style (leftmost placement, unchanged base first): chr1-158654680-CTG-C. GRCh37 (hg19) VCF-style: chr1-158624470-CTG-C.
Other names: short protein forms Q989fs.
Identifiers: ClinVar variation 1705971 (VCV001705971.4), dbSNP rs2525133650, ClinGen allele CA2580061237.